The following is an entry in ClinVar:

NM_015072.5(TTLL5):c.1667G>A (p.Arg556Gln)

Gene: TTLL5 (tubulin tyrosine ligase like 5; plus strand). Cytogenetic location: 14q24.3.
Variant type: single nucleotide variant.
Coding change: c.1667G>A on transcript NM_015072.5 (MANE Select); coding-DNA position 1667, G replaced by A.
Protein change: p.Arg556Gln; replaces arginine 556 with glutamine.
Molecular consequence: missense variant.
Genome position (GRCh38, 1-based): chr14:75,764,731, G>A. VCF-style: chr14-75764731-G-A. GRCh37 (hg19) VCF-style: chr14-76231074-G-A.
Other names: short protein forms R556Q.
Identifiers: ClinVar variation 954319 (VCV000954319.9), dbSNP rs140783328, ClinGen allele CA263694098.
Genomic context (GRCh38, chr14:75,764,731, plus strand): 5'-AGCTGCATGCTGCACTTTACGAGAGGAAGCTCCTGTCTCTGGAGGTGCGAAAACGTAGAC[G>A]ACGGAGTAGCAGATTGAGGGCAATGAGGCCAAAATACCCAGGTACCTGCTGGTGAGCTTT-3'
Protein context (NP_055887.3, residues 546-566): LLSLEVRKRR[Arg556Gln]RSSRLRAMRP

ClinVar aggregate classification (germline): Uncertain significance. Review status: criteria provided, multiple submitters, no conflicts (2 of 4 stars). 3 submissions from 3 submitters: Uncertain significance (3). Last evaluated 2022-11-15.

Conditions:
Inborn genetic diseases. Identifiers: MedGen C0950123, MeSH D030342.

Allele frequency attached by ClinVar (database versions not stated): gnomAD exomes 0.00002; TOPMed 0.00002; ESP Exome Variant Server 0.00008.
gnomAD v4.1: 20 of 1,614,010 alleles (0.0012%); highest among the groups gnomAD compares: Admixed American, 0.01%; no homozygotes.

Submissions (3):

Labcorp Genetics (formerly Invitae), Labcorp
Classification: Uncertain significance. Last evaluated: 2022-11-15. Review status: criteria provided, single submitter. Criteria: Invitae Variant Classification Sherloc (09022015). Collection method: clinical testing. Allele origin: germline.
Comment: This variant has not been reported in the literature in individuals affected with TTLL5-related conditions. This variant is present in population databases (rs140783328, gnomAD 0.009%). This sequence change replaces arginine, which is basic and polar, with glutamine, which is neutral and polar, at codon 556 of the TTLL5 protein (p.Arg556Gln). In summary, the available evidence is currently insufficient to determine the role of this variant in disease. Therefore, it has been classified as a Variant of Uncertain Significance. Advanced modeling of protein sequence and biophysical properties (such as structural, functional, and spatial information, amino acid conservation, physicochemical variation, residue mobility, and thermodynamic stability) performed at Invitae indicates that this missense variant is not expected to disrupt TTLL5 protein function. ClinVar contains an entry for this variant (Variation ID: 954319).

Blueprint Genetics
Classification: Uncertain significance. Last evaluated: 2022-02-14. Review status: criteria provided, single submitter. Criteria: ACMG Guidelines, 2015. Collection method: clinical testing. Allele origin: germline.

Ambry Genetics
Classification: Uncertain significance for Inborn genetic diseases. Last evaluated: 2022-02-11. Review status: criteria provided, single submitter. Criteria: Ambry Variant Classification Scheme 2023. Collection method: clinical testing. Allele origin: germline.